The following is an entry in ClinVar:

NM_001035.3(RYR2):c.6921C>G (p.Phe2307Leu)

Gene: RYR2 (ryanodine receptor 2; plus strand). Cytogenetic location: 1q43.
Variant type: single nucleotide variant.
Coding change: c.6921C>G on transcript NM_001035.3 (MANE Select); coding-DNA position 6921, C replaced by G.
Protein change: p.Phe2307Leu; replaces phenylalanine 2307 with leucine.
Molecular consequence: missense variant.
Genome position (GRCh38, 1-based): chr1:237,638,485, C>G. VCF-style: chr1-237638485-C-G. GRCh37 (hg19) VCF-style: chr1-237801785-C-G.
Other names: short protein forms F2307L.
Identifiers: ClinVar variation 1756175 (VCV001756175.3), dbSNP rs2546959679, ClinGen allele CA345395698.

ClinVar aggregate classification (germline): Uncertain significance (1 of 4 stars; one submission).

Conditions:
Cardiovascular phenotype. Identifiers: MedGen CN230736.

Submission:

Ambry Genetics
Classification: Uncertain significance for Cardiovascular phenotype. Last evaluated: 2024-10-07. Review status: criteria provided, single submitter. Criteria: Ambry Variant Classification Scheme 2023. Collection method: clinical testing. Allele origin: germline.
Comment: The p.F2307L variant (also known as c.6921C>G), located in coding exon 45 of the RYR2 gene, results from a C to G substitution at nucleotide position 6921. The phenylalanine at codon 2307 is replaced by leucine, an amino acid with highly similar properties. This alteration was reported in one subject with sudden cardiac arrest, and is absent in controls (Berge KE et al. Scand. J. Clin. Lab. Invest., 2008;68:362-8; Jabbari J et al. Circ Cardiovasc Genet, 2013 Oct;6:481-9). This alteration has also been reported in a subject who was noted to have glucose transporter-1 deficiency syndrome and a missense alteration in SLC2A1 (Leen WG et al. Brain, 2010 Mar;133:655-70). This amino acid position is highly conserved in available vertebrate species. In addition, this alteration is predicted to be deleterious by in silico analysis. Since supporting evidence is limited at this time, the clinical significance of this alteration remains unclear.

Literature cited by the submitters: PubMed 18752142; PubMed 19926015; PubMed 20129935; PubMed 24025405; PubMed 26524594; PubMed 29453246.